The following is an entry in ClinVar:

ClinVar aggregate classification (germline): Likely pathogenic (1 of 4 stars; one submission).

Conditions:
Charcot-Marie-Tooth disease axonal type 2O. Also called: CHARCOT-MARIE-TOOTH NEUROPATHY, AXONAL, TYPE 2O; CHARCOT-MARIE-TOOTH DISEASE, AXONAL, AUTOSOMAL DOMINANT, TYPE 2O; Charcot-Marie-Tooth Neuropathy Type 2O; Charcot-Marie-Tooth disease, axonal, type 20. Identifiers: Orphanet 284232, MedGen C3280220, MONDO:0013644, OMIM 614228.

Submission:

Labcorp Genetics (formerly Invitae), Labcorp
Classification: Likely pathogenic for Charcot-Marie-Tooth disease axonal type 2O. Last evaluated: 2025-06-14. Review status: criteria provided, single submitter. Criteria: Invitae Variant Classification Sherloc (09022015). Collection method: clinical testing. Allele origin: germline.
Comment: This sequence change replaces arginine, which is basic and polar, with glycine, which is neutral and non-polar, at codon 1090 of the DYNC1H1 protein (p.Arg1090Gly). This variant is not present in population databases (gnomAD no frequency). This variant has not been reported in the literature in individuals affected with DYNC1H1-related conditions. Invitae Evidence Modeling of protein sequence and biophysical properties (such as structural, functional, and spatial information, amino acid conservation, physicochemical variation, residue mobility, and thermodynamic stability) indicates that this missense variant is expected to disrupt DYNC1H1 protein function with a positive predictive value of 95%. This variant disrupts the p.Arg1090 amino acid residue in DYNC1H1. Other variant(s) that disrupt this residue have been determined to be pathogenic (internal data). This suggests that this residue is clinically significant, and that variants that disrupt this residue are likely to be disease-causing. In summary, the currently available evidence indicates that the variant is pathogenic, but additional data are needed to prove that conclusively. Therefore, this variant has been classified as Likely Pathogenic.

NM_001376.5(DYNC1H1):c.3268A>G (p.Arg1090Gly)

Gene: DYNC1H1 (dynein cytoplasmic 1 heavy chain 1; plus strand). Cytogenetic location: 14q32.31.
Variant type: single nucleotide variant.
Coding change: c.3268A>G on transcript NM_001376.5 (MANE Select); coding-DNA position 3268, A replaced by G.
Protein change: p.Arg1090Gly; replaces arginine 1090 with glycine.
Molecular consequence: missense variant.
Genome position (GRCh38, 1-based): chr14:101,994,784, A>G. VCF-style: chr14-101994784-A-G. GRCh37 (hg19) VCF-style: chr14-102461121-A-G.
Other names: short protein forms R1090G.
Identifiers: ClinVar variation 4802044 (VCV004802044.1).
Genomic context (GRCh38, chr14:101,994,784, plus strand): 5'-AACAGACTTGGAGAAGATCTCAACAAATGGCAGGCTCTCCTGGTCCAAATAAGGAAGGCC[A>G]GAGGAACCTTTGACAATGCAGAAACCAAGAAAGAGTTTGGACCAGTAGTTATAGATTATG-3'
Protein context (NP_001367.2, residues 1080-1100): QALLVQIRKA[Arg1090Gly]GTFDNAETKK